The following is an entry in ClinVar:

ClinVar aggregate classification (germline): Uncertain significance (1 of 4 stars; one submission).

Conditions:
Tuberous sclerosis 2 (TSC2). Identifiers: Orphanet 805, MedGen C1860707, MONDO:0013199, OMIM 613254.

gnomAD v4.1: 1 of 1,597,164 alleles (0.000063%); highest among the groups gnomAD compares: Non-Finnish European, 0.000085%; no homozygotes.

Submission:

Labcorp Genetics (formerly Invitae), Labcorp
Classification: Uncertain significance for Tuberous sclerosis 2. Last evaluated: 2021-09-20. Review status: criteria provided, single submitter. Criteria: Invitae Variant Classification Sherloc (09022015). Collection method: clinical testing. Allele origin: germline.
Comment: In summary, the available evidence is currently insufficient to determine the role of this variant in disease. Therefore, it has been classified as a Variant of Uncertain Significance. Advanced modeling of protein sequence and biophysical properties (such as structural, functional, and spatial information, amino acid conservation, physicochemical variation, residue mobility, and thermodynamic stability) performed at Invitae indicates that this missense variant is not expected to disrupt TSC2 protein function. This variant has not been reported in the literature in individuals affected with TSC2-related conditions. This variant is not present in population databases (ExAC no frequency). This sequence change replaces serine with cysteine at codon 683 of the TSC2 protein (p.Ser683Cys). The serine residue is weakly conserved and there is a moderate physicochemical difference between serine and cysteine.

NM_000548.5(TSC2):c.2048C>G (p.Ser683Cys)

Gene: TSC2 (TSC complex subunit 2; plus strand). Cytogenetic location: 16p13.3.
Variant type: single nucleotide variant.
Coding change: c.2048C>G on transcript NM_000548.5 (MANE Select); coding-DNA position 2048, C replaced by G.
Protein change: p.Ser683Cys; replaces serine 683 with cysteine.
Molecular consequence: missense variant.
Genome position (GRCh38, 1-based): chr16:2,071,885, C>G. VCF-style: chr16-2071885-C-G. GRCh37 (hg19) VCF-style: chr16-2121886-C-G.
Other names: c.2048C>G, p.Ser683Cys (NM_001077183.3, NM_001114382.3, NM_001363528.2 and 3 more transcripts); c.1937C>G, p.Ser646Cys (NM_001318827.2); c.1901C>G, p.Ser634Cys (NM_001318829.2); c.1448C>G, p.Ser483Cys (NM_001318831.2); c.2081C>G, p.Ser694Cys (NM_001318832.2); short protein forms S483C, S694C, S634C, S646C, S683C.
Identifiers: ClinVar variation 1476583 (VCV001476583.6), dbSNP rs919334398, ClinGen allele CA394274591.
Genomic context (GRCh38, chr16:2,071,885, plus strand): 5'-TTTCTCCTCCCACAGGGCCTCCTGGCCCGGCGCCTGCAGGCCCCGCCGTGCGGCTGGGGT[C>G]CGTGCCCTACTCCCTGCTCTTCCGCGTCCTGCTGCAGTGCTTGAAGCAGGTGAGTGGGGC-3'
Protein context (NP_000539.2, residues 673-693): APAGPAVRLG[Ser683Cys]VPYSLLFRVL